The following is an entry in ClinVar:

NM_020297.4(ABCC9):c.2238-17del

Gene: ABCC9 (ATP binding cassette subfamily C member 9; minus strand). Cytogenetic location: 12p12.1.
Variant type: Deletion.
Coding change: c.2238-17del on transcript NM_020297.4 (MANE Select); 17 bases into the intron before coding-DNA position 2238, one base deleted (T; older notation c.2238-17delT).
Molecular consequence: intron variant.
Genome position (GRCh38, 1-based): chr12:21,863,071, A deleted on the plus strand (T on the coding strand, the reverse complement: ABCC9 is on the minus strand); the first of 11 consecutive A bases (chr12:21,863,071-21,863,081); deleting any one gives the same sequence. VCF-style (leftmost placement, unchanged base first): chr12-21863070-GA-G. GRCh37 (hg19) VCF-style: chr12-22016004-GA-G.
Other names: c.1374-20del (NM_001377274.1); c.2238-17del (NM_005691.4, NM_001377273.1).
Identifiers: ClinVar variation 308037 (VCV000308037.16), dbSNP rs4148670, ClinGen allele CA6481435.
Genomic context (GRCh38, chr12:21,863,070, plus strand): 5'-AGCCAAGGCTTTTGAGCTGCATATGCCACAGAGTACCTGTTCCTACTGAAAAATGAAAAA[GA>G]AAAAAAAAAACACCAGGATTATGCAAAGGTACTGTGCGTGTATGTATTTTACTATAAATA-3'

ClinVar aggregate classification (germline): Benign. Review status: criteria provided, multiple submitters, no conflicts (2 of 4 stars). 5 submissions from 5 submitters: Benign (4). 1 of the submissions does not count toward it. Last evaluated 2026-02-04.

Conditions:
Hypertrophic cardiomyopathy 2. Also called: TNNT2-Related Familial Hypertrophic Cardiomyopathy. Identifiers: MedGen C1861864, MONDO:0007266, OMIM 115195.
Dilated cardiomyopathy 1O (CMD1O). Also called: CARDIOMYOPATHY, DILATED, WITH VENTRICULAR TACHYCARDIA. Identifiers: Orphanet 154, MedGen C1837839, MONDO:0012062, OMIM 608569.

Submissions (5):

Labcorp Genetics (formerly Invitae), Labcorp
Classification: Benign for Dilated cardiomyopathy 1O. Last evaluated: 2026-02-04. Review status: criteria provided, single submitter. Criteria: Invitae Variant Classification Sherloc (09022015). Collection method: clinical testing. Allele origin: germline.

Blueprint Genetics
Classification: Benign. Last evaluated: 2024-11-27. Review status: criteria provided, single submitter. Criteria: ACMG Guidelines, 2015. Collection method: clinical testing. Allele origin: germline.

Women's Health and Genetics/Laboratory Corporation of America, LabCorp
Classification: Benign. Last evaluated: 2019-09-16. Review status: criteria provided, single submitter. Criteria: LabCorp Variant Classification Summary - May 2015. Collection method: clinical testing. Allele origin: germline.
Comment: Variant summary: ABCC9 c.2238-17delT alters a non-conserved nucleotide located close to a canonical splice site and therefore could affect mRNA splicing, leading to a significantly altered protein sequence. 5/5 computational tools predict no significant impact on normal splicing. However, these predictions have yet to be confirmed by functional studies. The variant allele was found at a frequency of 0.44 in 158472 control chromosomes in the gnomAD database, including 7246 homozygotes. The observed variant frequency is approximately 17458-folds over the estimated maximal expected allele frequency for a pathogenic variant in ABCC9 causing Cardiomyopathy phenotype (2.5e-05), strongly suggesting that the variant is benign. To our knowledge, no occurrence of c.2238-17delT in individuals affected with Cardiomyopathy and no experimental evidence demonstrating its impact on protein function have been reported. Co-occurrences with another pathogenic variant has internally been reported (TTR c.424G>A, p.V142I), providing supporting evidence for a benign role. Two ClinVar submissions (evaluation after 2014) cites the variant once as likely benign and once as benign. Based on the evidence outlined above, the variant was classified as benign.

GeneDx
Classification: Benign. Last evaluated: 2018-06-06. Review status: criteria provided, single submitter. Criteria: GeneDx Variant Classification Process June 2021. Collection method: clinical testing. Allele origin: germline. Affected: yes.

Institute of Human Genetics, University of Wuerzburg
No classification provided. Condition: Hypertrophic cardiomyopathy 2. Review status: no classification provided. Collection method: clinical testing. Allele origin: unknown. Affected: yes. Observed: 1 variant allele. Not counted in ClinVar's aggregate classification.